The following is an entry in ClinVar:

NM_032119.4(ADGRV1):c.16321A>G (p.Met5441Val)

Gene: ADGRV1 (adhesion G protein-coupled receptor V1; plus strand). Cytogenetic location: 5q14.3.
Variant type: single nucleotide variant.
Coding change: c.16321A>G on transcript NM_032119.4 (MANE Select); coding-DNA position 16321, A replaced by G.
Protein change: p.Met5441Val; replaces methionine 5441 with valine.
Molecular consequence: missense variant. On other transcripts: non-coding transcript variant (1).
Genome position (GRCh38, 1-based): chr5:90,823,549, A>G. VCF-style: chr5-90823549-A-G. GRCh37 (hg19) VCF-style: chr5-90119366-A-G.
Other names: c.16321A>G (NM_032119.3); short protein forms M5441V.
Identifiers: ClinVar variation 1120111 (VCV001120111.8), dbSNP rs1265127867, ClinGen allele CA360425683.
Genomic context (GRCh38, chr5:90,823,549, plus strand): 5'-AAGGATGGGGTAAACCTGGTGGAGGAACTTCAGTCTGTGTCAGGGACCACAACCTGTACA[A>G]TGGGTCAAACAAAATGCTTTATCAGCATTGAACTCAAACCAGAAAAGGTAAGAAATGAAG-3'
Protein context (NP_115495.3, residues 5431-5451): QSVSGTTTCT[Met5441Val]GQTKCFISIE

ClinVar aggregate classification (germline): Conflicting classifications of pathogenicity. Review status: criteria provided, conflicting classifications (1 of 4 stars). 3 submissions from 3 submitters: Uncertain significance (1); Likely benign (2). Last evaluated 2025-03-26.

Conditions:
Inborn genetic diseases. Identifiers: MedGen C0950123, MeSH D030342.

Allele frequency attached by ClinVar (database versions not stated): gnomAD 0.00001.
gnomAD v4.1: 1 of 1,613,866 alleles (0.000062%); highest among the groups gnomAD compares: East Asian, 0.0022%; no homozygotes.

Submissions (3):

Ambry Genetics
Classification: Uncertain significance for Inborn genetic diseases. Last evaluated: 2025-03-26. Review status: criteria provided, single submitter. Criteria: Ambry Variant Classification Scheme 2023. Collection method: clinical testing. Allele origin: germline.

Labcorp Genetics (formerly Invitae), Labcorp
Classification: Likely benign. Last evaluated: 2023-10-03. Review status: criteria provided, single submitter. Criteria: Invitae Variant Classification Sherloc (09022015). Collection method: clinical testing. Allele origin: germline.

Laboratory for Molecular Medicine, Mass General Brigham Personalized Medicine
Classification: Likely benign. Last evaluated: 2020-09-04. Review status: criteria provided, single submitter. Criteria: LMM Criteria. Collection method: clinical testing. Allele origin: germline. Observed: 1 variant allele.
Comment: The p.Met5441Val variant in ADGRV1 is classified as likely benign due to a lack of conservation across species. Eight mammals (prairie vole, Chinese hamster, rat, cat, dog, ferret, panda, Weddell seal) carry a valine (Val) at this position despite high nearby amino acid conservation. ACMG/AMP Criteria applied: BP4_Strong.